The following is an entry in ClinVar:

NM_018082.6(POLR3B):c.1124A>T (p.Asp375Val)

Gene: POLR3B (RNA polymerase III subunit B; plus strand). Cytogenetic location: 12q23.3.
Variant type: single nucleotide variant.
Coding change: c.1124A>T on transcript NM_018082.6 (MANE Select); coding-DNA position 1124, A replaced by T.
Protein change: p.Asp375Val; replaces aspartic acid 375 with valine.
Molecular consequence: missense variant.
Genome position (GRCh38, 1-based): chr12:106,427,219, A>T. VCF-style: chr12-106427219-A-T. GRCh37 (hg19) VCF-style: chr12-106820997-A-T.
Other names: c.950A>T, p.Asp317Val (NM_001160708.2); short protein forms D317V, D375V.
Identifiers: ClinVar variation 1048512 (VCV001048512.5), dbSNP rs2037451945, ClinGen allele CA386388104.

ClinVar aggregate classification (germline): Likely pathogenic. Review status: criteria provided, single submitter (1 of 4 stars). 3 submissions from 3 submitters: Likely pathogenic (1). 2 of the submissions do not count toward it. Last evaluated 2020-12-01.

Conditions:
Charcot-Marie-Tooth disease, demyelinating, IIA 1I. Also called: CHARCOT-MARIE-TOOTH NEUROPATHY, TYPE 1I; Charcot-Marie-Tooth disease, demyelinating, type 1I. Identifiers: MedGen C5676914, MONDO:0030677, OMIM 619742.
POLR3B-related disorder. Also called: POLR3B-related condition; POLR3B-related disorders. Identifiers: MedGen CN378588, MONDO:0700277.

Submissions (3):

GeneDx
Classification: Likely pathogenic. Last evaluated: 2020-12-01. Review status: criteria provided, single submitter. Criteria: GeneDx Variant Classification (06012015). Collection method: clinical testing. Allele origin: germline. Affected: yes.
Comment: Not observed in large population cohorts (Lek et al., 2016). In silico analysis supports that this missense variant has a deleterious effect on protein structure/function. We interpret D375V as a likely pathogenic variant.

PreventionGenetics, part of Exact Sciences
Classification: Uncertain significance for POLR3B-related condition. Last evaluated: 2024-01-31. Review status: no assertion criteria provided. Collection method: clinical testing. Allele origin: germline. Not counted in ClinVar's aggregate classification.
Comment: The POLR3B c.1124A>T variant is predicted to result in the amino acid substitution p.Asp375Val. This variant was reported in an individual with ataxia, spasticity, demyelinating neuropathy, developmental delay/intellectual disability, and speech delay (Table 2 in Djordjevic et al. 2021. PubMedID: 33417887). This variant has been shown to impair the association with a subunit of RNA polymerase III, POLR3F. This variant does not directly affect the expression of POLR3B (Djordjevic et al. 2021. PubMedID: 33417887). This variant has not been reported in a large population database, indicating this variant is rare. Although we suspect that this variant may be pathogenic, at this time, the clinical significance of this variant is uncertain due to the absence of conclusive functional and genetic evidence.

OMIM
Classification: Pathogenic for CHARCOT-MARIE-TOOTH DISEASE, DEMYELINATING, TYPE 1I. Last evaluated: 2022-06-17. Review status: no assertion criteria provided. Collection method: literature only. Allele origin: germline. Not counted in ClinVar's aggregate classification.

Literature cited by the submitters: PubMed 35395209 (cited by OMIM).